The following is an entry in ClinVar:

NM_001038.6(SCNN1A):c.2006C>T (p.Pro669Leu)

Gene: SCNN1A (sodium channel epithelial 1 subunit alpha; minus strand). Cytogenetic location: 12p13.31.
Variant type: single nucleotide variant.
Coding change: c.2006C>T on transcript NM_001038.6 (MANE Select); coding-DNA position 2006, C replaced by T.
Protein change: p.Pro669Leu; replaces proline 669 with leucine.
Molecular consequence: missense variant.
Genome position (GRCh38, 1-based): chr12:6,347,877, G>A on the plus strand (C>T on the coding strand, the complement: SCNN1A is on the minus strand). VCF-style: chr12-6347877-G-A. GRCh37 (hg19) VCF-style: chr12-6457043-G-A.
Other names: c.2075C>T, p.Pro692Leu (NM_001159575.2); c.2183C>T, p.Pro728Leu (NM_001159576.2); short protein forms P669L, P692L, P728L.
Identifiers: ClinVar variation 4875304 (VCV004875304.2).
Genomic context (GRCh38, chr12:6,347,877, plus strand): 5'-AGCACCCTCCCACCAGAGGAGCATCTGCCTTGGTGTGAGAAACCTCTCCTTCCCTCTCAG[G>A]GCCCCCCCAGAGGACAGGTGGAGGAACTGGCCCCTGCAGAGCCCCCTGGAGATGGGCGGG-3'
Protein context (NP_001029.1, residues 659-669): ASSSTCPLGG[Pro669Leu]

ClinVar aggregate classification (germline): Uncertain significance (1 of 4 stars; one submission).

gnomAD v4.1: 13 of 1,601,300 alleles (0.00081%); highest among the groups gnomAD compares: East Asian, 0.0045%; no homozygotes.

Submission:

CeGaT Center for Human Genetics Tuebingen
Classification: Uncertain significance. Last evaluated: 2026-06-01. Review status: criteria provided, single submitter. Criteria: CeGaT Center For Human Genetics Tuebingen Variant Classification Criteria Version 2. Collection method: clinical testing. Allele origin: germline. Affected: yes. Observed: 1 variant allele.
Comment: SCNN1A: PM2, BP4